The following is an entry in ClinVar:

ClinVar aggregate classification (germline): Pathogenic (1 of 4 stars; one submission).

Submission:

Labcorp Genetics (formerly Invitae), Labcorp
Classification: Pathogenic. Last evaluated: 2025-05-18. Review status: criteria provided, single submitter. Criteria: Invitae Variant Classification Sherloc (09022015). Collection method: clinical testing. Allele origin: germline.
Comment: This sequence change replaces proline, which is neutral and non-polar, with arginine, which is basic and polar, at codon 250 of the FGFR3 protein (p.Pro250Arg). Information on the frequency of this variant in the gnomAD database is not available, as this variant may be reported differently in the database. This missense change has been observed in individual(s) with FGFR3-related conditions (PMID: 9042914, 10094188, 10861678, 15915095, 26740388). In at least one individual the variant was observed to be de novo. It has also been observed to segregate with disease in related individuals. An algorithm developed to predict the effect of missense changes on protein structure and function (PolyPhen-2) suggests that this variant is likely to be disruptive. For these reasons, this variant has been classified as Pathogenic.

Literature cited by the submitters: PubMed 9042914; PubMed 10094188; PubMed 10861678; PubMed 15915095; PubMed 26740388.

NM_000142.5(FGFR3):c.749_750delinsGC (p.Pro250Arg)

Gene: FGFR3 (fibroblast growth factor receptor 3; plus strand). Cytogenetic location: 4p16.3.
Variant type: Indel.
Coding change: c.749_750delinsGC on transcript NM_000142.5 (MANE Select); coding-DNA positions 749 to 750, CG replaced by GC.
Protein change: p.Pro250Arg; replaces proline 250 with arginine.
Molecular consequence: missense variant. On other transcripts: non-coding transcript variant (1).
Genome position (GRCh38, 1-based): chr4:1,801,844-1,801,845, CG replaced by GC. VCF-style: chr4-1801844-CG-GC. GRCh37 (hg19) VCF-style: chr4-1803571-CG-GC.
Other names: c.749_750delinsGC, p.Pro250Arg (NM_001163213.2, NM_001354809.2, NM_001354810.2 and 1 more transcripts); short protein forms P250R.
Identifiers: ClinVar variation 4719788 (VCV004719788.1).